The following is an entry in ClinVar:

ClinVar aggregate classification (germline): Conflicting classifications of pathogenicity. Review status: criteria provided, conflicting classifications (1 of 4 stars). 3 submissions from 3 submitters: Likely pathogenic (1); Uncertain significance (2). Last evaluated 2026-02-25.

Conditions:
TMC1-related disorder. Also called: TMC1-related condition; TMC1-related disorders.
Inborn genetic diseases. Identifiers: MedGen C0950123, MeSH D030342.

Allele frequency attached by ClinVar (database versions not stated): ExAC 0.00001; gnomAD 0.00002; TOPMed 0.00002; gnomAD exomes 0.00007.
gnomAD v4.1: 107 of 1,613,784 alleles (0.0066%); highest among the groups gnomAD compares: Non-Finnish European, 0.0088%; no homozygotes.

Submissions (3):

Ambry Genetics
Classification: Uncertain significance for Inborn genetic diseases. Last evaluated: 2026-02-25. Review status: criteria provided, single submitter. Criteria: Ambry Variant Classification Scheme 2023. Collection method: clinical testing. Allele origin: germline.
Comment: The c.1100T>G (p.L367R) alteration is located in exon 15 (coding exon 11) of the TMC1 gene. This alteration results from a T to G substitution at nucleotide position 1100, causing the leucine (L) at amino acid position 367 to be replaced by an arginine (R). Based on data from gnomAD, the G allele has an overall frequency of 0.001% (4/282626) total alleles studied. The highest observed frequency was 0.003% (4/128960) of European (non-Finnish) alleles. This amino acid position is highly conserved in available vertebrate species. This alteration is predicted to be deleterious by in silico analysis. Based on insufficient or conflicting evidence, the clinical significance of this alteration remains unclear.

Blueprint Genetics
Classification: Likely pathogenic for TMC1-related disorders. Last evaluated: 2023-08-04. Review status: criteria provided, single submitter. Criteria: ACMG Guidelines, 2015. Collection method: clinical testing. Allele origin: germline. Affected: yes. Observed: 5 variant alleles.

Mayo Clinic Laboratories, Mayo Clinic
Classification: Uncertain significance. Last evaluated: 2022-07-29. Review status: criteria provided, single submitter. Criteria: ACMG Guidelines, 2015. Collection method: clinical testing. Allele origin: germline. Observed: 1 variant allele.
Comment: PP3, PM2

NM_138691.3(TMC1):c.1100T>G (p.Leu367Arg)

Gene: TMC1 (transmembrane channel like 1; plus strand). Cytogenetic location: 9q21.13.
Variant type: single nucleotide variant.
Coding change: c.1100T>G on transcript NM_138691.3 (MANE Select); coding-DNA position 1100, T replaced by G.
Protein change: p.Leu367Arg; replaces leucine 367 with arginine.
Molecular consequence: missense variant.
Genome position (GRCh38, 1-based): chr9:72,789,193, T>G. VCF-style: chr9-72789193-T-G. GRCh37 (hg19) VCF-style: chr9-75404109-T-G.
Other names: p.Leu367Arg; short protein forms L367R.
Identifiers: ClinVar variation 2683050 (VCV002683050.5), dbSNP rs768955462, ClinGen allele CA5081873.